The following is an entry in ClinVar:

ClinVar aggregate classification (germline): Uncertain significance (1 of 4 stars; one submission).

gnomAD v4.1: 7 of 1,568,050 alleles (0.00045%); highest among the groups gnomAD compares: African/African-American, 0.0014%; no homozygotes.

Submission:

Labcorp Genetics (formerly Invitae), Labcorp
Classification: Uncertain significance. Last evaluated: 2025-07-02. Review status: criteria provided, single submitter. Criteria: Invitae Variant Classification Sherloc (09022015). Collection method: clinical testing. Allele origin: germline.
Comment: This sequence change replaces valine, which is neutral and non-polar, with isoleucine, which is neutral and non-polar, at codon 289 of the CLCN7 protein (p.Val289Ile). This variant is not present in population databases (gnomAD no frequency). This variant has not been reported in the literature in individuals affected with CLCN7-related conditions. An algorithm developed to predict the effect of missense changes on protein structure and function (PolyPhen-2) suggests that this variant is likely to be disruptive. This variant disrupts the p.Val289 amino acid residue in CLCN7. Other variant(s) that disrupt this residue have been observed in individuals with CLCN7-related conditions (PMID: 26056022; internal data), which suggests that this may be a clinically significant amino acid residue. In summary, the available evidence is currently insufficient to determine the role of this variant in disease. Therefore, it has been classified as a Variant of Uncertain Significance.

Literature cited by the submitters: PubMed 26056022.

NM_001287.6(CLCN7):c.865G>A (p.Val289Ile)

Gene: CLCN7 (chloride voltage-gated channel 7; minus strand). Cytogenetic location: 16p13.3.
Variant type: single nucleotide variant.
Coding change: c.865G>A on transcript NM_001287.6 (MANE Select); coding-DNA position 865, G replaced by A.
Protein change: p.Val289Ile; replaces valine 289 with isoleucine.
Molecular consequence: missense variant.
Genome position (GRCh38, 1-based): chr16:1,456,164, C>T on the plus strand (G>A on the coding strand, the complement: CLCN7 is on the minus strand). VCF-style: chr16-1456164-C-T. GRCh37 (hg19) VCF-style: chr16-1506165-C-T.
Other names: c.793G>A, p.Val265Ile (NM_001114331.3); short protein forms V289I, V265I.
Identifiers: ClinVar variation 4693566 (VCV004693566.1).
Genomic context (GRCh38, chr16:1,456,164, plus strand): 5'-CCTCCTCACCCACGGGGGCTCCAAACGCCGCTGACACTCCGGCCGCAGCCCCTGCGGAGA[C>T]GAAGTCCCGCTTCTCTGTGTCTCTGCGGAAGTACTCGAAGATCTGCAACAGGGACAGACC-3'
Protein context (NP_001278.1, residues 279-299): FRRDTEKRDF[Val289Ile]SAGAAAGVSA